The following is an entry in ClinVar:

NM_001378454.1(ALMS1):c.6304A>C (p.Asn2102His)

Gene: ALMS1 (ALMS1 centrosome and basal body associated protein; plus strand). Cytogenetic location: 2p13.1.
Variant type: single nucleotide variant.
Coding change: c.6304A>C on transcript NM_001378454.1 (MANE Select); coding-DNA position 6304, A replaced by C.
Protein change: p.Asn2102His; replaces asparagine 2102 with histidine.
Molecular consequence: missense variant.
Genome position (GRCh38, 1-based): chr2:73,452,831, A>C. VCF-style: chr2-73452831-A-C. GRCh37 (hg19) VCF-style: chr2-73679958-A-C.
Other names: c.6307A>C, p.Asn2103His (NM_015120.4); short protein forms N2102H, N2103H.
Identifiers: ClinVar variation 992215 (VCV000992215.5), dbSNP rs1386959032, ClinGen allele CA347285609.

ClinVar aggregate classification (germline): Uncertain significance. Review status: criteria provided, multiple submitters, no conflicts (2 of 4 stars). 4 submissions from 4 submitters: Uncertain significance (3). 1 of the submissions does not count toward it. Last evaluated 2021-07-29.

Conditions:
Alstrom syndrome (ALMS). Identifiers: Orphanet 64, MedGen C0268425, MONDO:0008763, OMIM 203800.
Cardiovascular phenotype. Identifiers: MedGen CN230736.

Allele frequency attached by ClinVar (database versions not stated): gnomAD exomes below 0.00001 and 0.00001; TOPMed 0.00001.
gnomAD v4.1: 5 of 1,613,860 alleles (0.00031%); highest among the groups gnomAD compares: Non-Finnish European, 0.00034%; no homozygotes.

Submissions (4):

Fulgent Genetics
Classification: Uncertain significance for Alstrom syndrome. Last evaluated: 2021-07-29. Review status: criteria provided, single submitter. Criteria: ACMG Guidelines, 2015. Collection method: clinical testing. Allele origin: unknown.

Women's Health and Genetics/Laboratory Corporation of America, LabCorp
Classification: Uncertain significance. Last evaluated: 2020-12-28. Review status: criteria provided, single submitter. Criteria: LabCorp Variant Classification Summary - May 2015. Collection method: clinical testing. Allele origin: germline.
Comment: Variant summary: ALMS1 c.6301A>C (p.Asn2101His) results in a conservative amino acid change in the encoded protein sequence. Three of five in-silico tools predict a benign effect of the variant on protein function. The variant allele was found at a frequency of 4e-06 in 247848 control chromosomes (gnomAD). The available data on variant occurrences in the general population are insufficient to allow any conclusion about variant significance. To our knowledge, no occurrence of c.6301A>C in individuals affected with Alstrom Syndrome With Dilated Cardiomyopathy and no experimental evidence demonstrating its impact on protein function have been reported. No clinical diagnostic laboratories have submitted clinical-significance assessments for this variant to ClinVar after 2014. Based on the evidence outlined above, the variant was classified as uncertain significance.

Ambry Genetics
Classification: Uncertain significance for Cardiovascular phenotype. Last evaluated: 2020-11-20. Review status: criteria provided, single submitter. Criteria: Ambry Variant Classification Scheme 2023. Collection method: clinical testing. Allele origin: germline.
Comment: The p.N2103H variant (also known as c.6307A>C), located in coding exon 8 of the ALMS1 gene, results from an A to C substitution at nucleotide position 6307. The asparagine at codon 2103 is replaced by histidine, an amino acid with similar properties. This amino acid position is not well conserved in available vertebrate species. In addition, this alteration is predicted to be tolerated by in silico analysis. Since supporting evidence is limited at this time, the clinical significance of this alteration remains unclear.

Natera, Inc.
Classification: Uncertain significance for Alstrom syndrome. Last evaluated: 2021-04-13. Review status: no assertion criteria provided. Collection method: clinical testing. Allele origin: germline. Not counted in ClinVar's aggregate classification.